The following is an entry in ClinVar:

NM_001134407.3(GRIN2A):c.561C>T (p.Val187=)

Gene: GRIN2A (glutamate ionotropic receptor NMDA type subunit 2A; minus strand). Cytogenetic location: 16p13.2.
Variant type: single nucleotide variant.
Coding change: c.561C>T on transcript NM_001134407.3 (MANE Select); coding-DNA position 561, C replaced by T.
Protein change: p.Val187=; no amino-acid change (valine 187 retained).
Molecular consequence: synonymous variant.
Genome position (GRCh38, 1-based): chr16:9,938,405, G>A on the plus strand (C>T on the coding strand, the complement: GRIN2A is on the minus strand). VCF-style: chr16-9938405-G-A. GRCh37 (hg19) VCF-style: chr16-10032262-G-A.
Other names: c.561C>T, p.Val187= (NM_000833.5, NM_001134408.2).
Identifiers: ClinVar variation 384267 (VCV000384267.2), dbSNP rs1057521908, ClinGen allele CA16607588.
Genomic context (GRCh38, chr16:9,938,405, plus strand): 5'-GTCCAGTGTGATCACATTCTGCATGTCCCAGCCCACAAAGCTGTTGTCCACTGTGGTCTT[G>A]ACGAAGCTGATGAATTCCCTGTAGCCAGGGAAGATAGTGGTCACCAGGGAGAAGACATGC-3'
Protein context (NP_001127879.1, residues 177-197): FPGYREFISF[Val187=]KTTVDNSFVG

ClinVar aggregate classification (germline): Likely benign. Review status: criteria provided, multiple submitters, no conflicts (2 of 4 stars). 2 submissions from 2 submitters: Likely benign (2). Last evaluated 2024-02-19.

Allele frequency attached by ClinVar (database versions not stated): gnomAD 0.00001.
gnomAD v4.1: 1 of 1,613,956 alleles (0.000062%); highest among the groups gnomAD compares: African/African-American, 0.0013%; no homozygotes.

Submissions (2):

Women's Health and Genetics/Laboratory Corporation of America, LabCorp
Classification: Likely benign. Last evaluated: 2024-02-19. Review status: criteria provided, single submitter. Criteria: LabCorp Variant Classification Summary - May 2015. Collection method: clinical testing. Allele origin: germline.

GeneDx
Classification: Likely benign. Last evaluated: 2016-03-09. Review status: criteria provided, single submitter. Criteria: GeneDx Variant Classification (06012015). Collection method: clinical testing. Allele origin: germline. Affected: yes.
Comment: This variant is considered likely benign or benign based on one or more of the following criteria: it is a conservative change, it occurs at a poorly conserved position in the protein, it is predicted to be benign by multiple in silico algorithms, and/or has population frequency not consistent with disease.